The following is an entry in ClinVar:

ClinVar aggregate classification (germline): Likely pathogenic. Review status: criteria provided, single submitter (1 of 4 stars). 2 submissions from 2 submitters: Likely pathogenic (1). 1 of the submissions does not count toward it. Last evaluated 2024-02-18.

Conditions:
Combined immunodeficiency with skin granulomas. Identifiers: Orphanet 157949, MedGen C2673536, MONDO:0009306, OMIM 233650.
Severe combined immunodeficiency, autosomal recessive, T cell-negative, B cell-negative, NK cell-positive. Also called: SCID, AR, T-cell negative, B-cell negative, NK cell-positive; Severe combined immunodeficiency due to complete RAG1/2 deficiency; SCID, T CELL-NEGATIVE, B CELL-NEGATIVE, NK CELL-POSITIVE. Identifiers: Orphanet 331206, MedGen C1832322, MONDO:0011086, OMIM 601457.
Histiocytic medullary reticulosis. Also called: SEVERE COMBINED IMMUNODEFICIENCY WITH HYPEREOSINOPHILIA; Omenn syndrome. Identifiers: Orphanet 39041, MedGen C2700553, MONDO:0011338, OMIM 603554.

gnomAD v4.1: 2 of 1,614,166 alleles (0.00012%); highest among the groups gnomAD compares: Non-Finnish European, 0.00017%; no homozygotes.

Submissions (2):

Labcorp Genetics (formerly Invitae), Labcorp
Classification: Likely pathogenic for Combined immunodeficiency with skin granulomas; Severe combined immunodeficiency, autosomal recessive, T cell-negative, B cell-negative, NK cell-positive. Last evaluated: 2024-02-18. Review status: criteria provided, single submitter. Criteria: Invitae Variant Classification Sherloc (09022015). Collection method: clinical testing. Allele origin: germline.
Comment: This sequence change replaces histidine, which is basic and polar, with tyrosine, which is neutral and polar, at codon 140 of the RAG2 protein (p.His140Tyr). This variant is not present in population databases (gnomAD no frequency). This variant has not been reported in the literature in individuals affected with RAG2-related conditions. Advanced modeling of protein sequence and biophysical properties (such as structural, functional, and spatial information, amino acid conservation, physicochemical variation, residue mobility, and thermodynamic stability) performed at Invitae indicates that this missense variant is expected to disrupt RAG2 protein function with a positive predictive value of 95%. This variant disrupts the p.His140 amino acid residue in RAG2. Other variant(s) that disrupt this residue have been determined to be pathogenic (Invitae). This suggests that this residue is clinically significant, and that variants that disrupt this residue are likely to be disease-causing. In summary, the currently available evidence indicates that the variant is pathogenic, but additional data are needed to prove that conclusively. Therefore, this variant has been classified as Likely Pathogenic.

Natera, Inc.
Classification: Uncertain significance for Omenn syndrome. Last evaluated: 2025-05-08. Review status: no assertion criteria provided. Collection method: clinical testing. Allele origin: germline. Not counted in ClinVar's aggregate classification.

NM_000536.4(RAG2):c.418C>T (p.His140Tyr)

Gene: RAG2 (recombination activating 2; minus strand). Cytogenetic location: 11p12.
Variant type: single nucleotide variant.
Coding change: c.418C>T on transcript NM_000536.4 (MANE Select); coding-DNA position 418, C replaced by T.
Protein change: p.His140Tyr; replaces histidine 140 with tyrosine.
Molecular consequence: missense variant.
Genome position (GRCh38, 1-based): chr11:36,593,751, G>A on the plus strand (C>T on the coding strand, the complement: RAG2 is on the minus strand). VCF-style: chr11-36593751-G-A. GRCh37 (hg19) VCF-style: chr11-36615301-G-A.
Other names: c.418C>T, p.His140Tyr (NM_001243785.2, NM_001243786.2); short protein forms H140Y.
Identifiers: ClinVar variation 3763942 (VCV003763942.3), dbSNP rs147155709.